The following is an entry in ClinVar:

ClinVar aggregate classification (germline): Uncertain significance (1 of 4 stars; one submission).

Conditions:
Inborn genetic diseases. Identifiers: MedGen C0950123, MeSH D030342.

Submission:

Ambry Genetics
Classification: Uncertain significance for Inborn genetic diseases. Last evaluated: 2024-06-04. Review status: criteria provided, single submitter. Criteria: Ambry Variant Classification Scheme 2023. Collection method: clinical testing. Allele origin: germline.
Comment: The p.F461Y variant (also known as c.1382T>A), located in coding exon 10 of the ACD gene, results from a T to A substitution at nucleotide position 1382. The phenylalanine at codon 461 is replaced by tyrosine, an amino acid with highly similar properties. This amino acid position is conserved. In addition, this alteration is predicted to be tolerated by in silico analysis. Based on the available evidence, the clinical significance of this variant remains unclear.

NM_001082486.2(ACD):c.1124T>A (p.Phe375Tyr)

Gene: ACD (ACD shelterin complex subunit and telomerase recruitment factor; minus strand). Cytogenetic location: 16q22.1.
Variant type: single nucleotide variant.
Coding change: c.1124T>A on transcript NM_001082486.2 (MANE Select); coding-DNA position 1124, T replaced by A.
Protein change: p.Phe375Tyr; replaces phenylalanine 375 with tyrosine.
Molecular consequence: missense variant.
Genome position (GRCh38, 1-based): chr16:67,658,068, A>T on the plus strand (T>A on the coding strand, the complement: ACD is on the minus strand). VCF-style: chr16-67658068-A-T. GRCh37 (hg19) VCF-style: chr16-67691971-A-T.
Other names: c.1037T>A, p.Phe346Tyr (NM_001410884.1); c.1115T>A, p.Phe372Tyr (NM_022914.3); short protein forms F346Y, F372Y, F375Y.
Identifiers: ClinVar variation 3261550 (VCV003261550.1).